The following is an entry in ClinVar:

NM_000548.5(TSC2):c.1257+20G>A

Gene: TSC2 (TSC complex subunit 2; plus strand). Cytogenetic location: 16p13.3.
Variant type: single nucleotide variant.
Coding change: c.1257+20G>A on transcript NM_000548.5 (MANE Select); 20 bases into the intron after coding-DNA position 1257, G replaced by A.
Molecular consequence: intron variant.
Genome position (GRCh38, 1-based): chr16:2,062,028, G>A. VCF-style: chr16-2062028-G-A. GRCh37 (hg19) VCF-style: chr16-2112029-G-A.
Other names: c.1257+20G>A (NM_001114382.3, NM_021055.3, NM_001370405.1 and 3 more transcripts); c.1146+20G>A (NM_001318827.2); c.657+20G>A (NM_001318831.2); c.1110+20G>A (NM_001318829.2); c.1290+20G>A (NM_001318832.2).
Identifiers: ClinVar variation 452279 (VCV000452279.7), dbSNP rs1436234038, ClinGen allele CA620704814.
Genomic context (GRCh38, chr16:2,062,028, plus strand): 5'-GATACTTTGAACTGGTGGAGAGATGTGCGGACCAGAGGCCTGTGAGACCCCCTCCTGGGT[G>A]GGGCCTTTGGGCTTTGGCTGGTGGGGAGGGGCCGGGTGCTGGGTGAAGTGCAGCTTTCTG-3'

ClinVar aggregate classification (germline): Uncertain significance. Review status: criteria provided, multiple submitters, no conflicts (2 of 4 stars). 2 submissions from 2 submitters: Uncertain significance (2). Last evaluated 2025-07-30.

Conditions:
Tuberous sclerosis 2 (TSC2). Identifiers: Orphanet 805, MedGen C1860707, MONDO:0013199, OMIM 613254.

Allele frequency attached by ClinVar (database versions not stated): gnomAD exomes below 0.00001 and 0.00001; TOPMed below 0.00001; gnomAD 0.00001.

Submissions (2):

Labcorp Genetics (formerly Invitae), Labcorp
Classification: Uncertain significance for Tuberous sclerosis 2. Last evaluated: 2025-07-30. Review status: criteria provided, single submitter. Criteria: Invitae Variant Classification Sherloc (09022015). Collection method: clinical testing. Allele origin: germline.
Comment: This sequence change falls in intron 12 of the TSC2 gene. It does not directly change the encoded amino acid sequence of the TSC2 protein. This variant is present in population databases (no rsID available, gnomAD 0.0009%). This variant has not been reported in the literature in individuals affected with TSC2-related conditions. ClinVar contains an entry for this variant (Variation ID: 452279). Algorithms developed to predict the effect of sequence changes on RNA splicing suggest that this variant may disrupt the consensus splice site. In summary, the available evidence is currently insufficient to determine the role of this variant in disease. Therefore, it has been classified as a Variant of Uncertain Significance.

GeneDx
Classification: Uncertain significance. Last evaluated: 2017-09-22. Review status: criteria provided, single submitter. Criteria: GeneDx Variant Classification (06012015). Collection method: clinical testing. Allele origin: germline. Affected: yes.
Comment: A variant of uncertain significance has been identified in the TSC2 gene. The c.1257+20 G>A variant has not been published as a pathogenic variant, nor has it been reported as a benign variant to our knowledge. The c.1257+20 G>A variant is not observed in large population cohorts (Lek et al., 2016). Several in-silico splice prediction models predict that c.1257+20 G>A creates a cryptic donor site which may supplant the natural donor site and lead to abnormal gene splicing. However, in the absence of RNA/functional studies, the actual effect of this sequence change in this individual is unknown. Therefore, based on the currently available information, it is unclear whether this variant is a pathogenic variant or a rare benign variant.